The following is an entry in ClinVar:

NM_002474.3(MYH11):c.4523T>C (p.Met1508Thr)

Genes: MYH11 (myosin heavy chain 11; minus strand), NDE1 (nudE neurodevelopment protein 1; plus strand). Cytogenetic location: 16p13.11.
Variant type: single nucleotide variant.
Coding change: c.4523T>C on transcript NM_002474.3 (MANE Select); coding-DNA position 4523, T replaced by C.
Protein change: p.Met1508Thr; replaces methionine 1508 with threonine.
Molecular consequence: missense variant. On other transcripts: intron variant (2).
Genome position (GRCh38, 1-based): chr16:15,721,477, A>G on the plus strand (T>C on the coding strand, the complement: MYH11 is on the minus strand). VCF-style: chr16-15721477-A-G. GRCh37 (hg19) VCF-style: chr16-15815334-A-G.
Other names: c.4544T>C, p.Met1515Thr (NM_001040113.2, NM_001040114.2); c.4523T>C, p.Met1508Thr (NM_022844.3); c.948-2714A>G (NM_001143979.2, NM_017668.3); short protein forms M1515T, M1508T.
Identifiers: ClinVar variation 922189 (VCV000922189.6), dbSNP rs1298388002, ClinGen allele CA394855016.

ClinVar aggregate classification (germline): Uncertain significance. Review status: criteria provided, multiple submitters, no conflicts (2 of 4 stars). 2 submissions from 2 submitters: Uncertain significance (2). Last evaluated 2024-03-24.

Conditions:
Familial thoracic aortic aneurysm and aortic dissection (TAAD). Also called: Thoracic aortic aneurysms and dissections. Identifiers: Orphanet 91387, MedGen C4707243, MONDO:0019625.

Allele frequency attached by ClinVar (database versions not stated): gnomAD exomes below 0.00001; gnomAD 0.00001; TOPMed 0.00001.
gnomAD v4.1: 4 of 1,613,952 alleles (0.00025%); highest among the groups gnomAD compares: Middle Eastern, 0.016%; no homozygotes.

Submissions (2):

All of Us Research Program, National Institutes of Health
Classification: Uncertain significance for Familial thoracic aortic aneurysm and aortic dissection. Last evaluated: 2024-03-24. Review status: criteria provided, single submitter. Criteria: ACMG Guidelines, 2015. Collection method: clinical testing. Allele origin: germline. Inheritance: Autosomal dominant inheritance. Observed: 1 variant allele, 1 heterozygote.
Comment: Variant of Uncertain Significance due to insufficient evidence: This missense variant is located in the coiled coil myosin tail domain of the MYH11 protein. Computational prediction tools and conservation analyses are inconclusive regarding the impact of this variant on the protein function. Computational splicing tools suggest that this variant may not impact RNA splicing. To our knowledge, functional assays have not been performed for this variant nor has this variant been reported in individuals affected with cardiovascular disorders in the literature. This variant has been identified in 1/30936 chromosomes in the general population by the Genome Aggregation Database (gnomAD). Available evidence is insufficient to determine the role of this variant in disease conclusively.

This study involves interpretation of variants in research participants for the purpose of population health screening. Participant phenotype was not available at the time of variant classification. Additional details can be found in publication PMID: 35346344, PMCID: PMC8962531

Color Diagnostics, LLC DBA Color Health
Classification: Uncertain significance for Familial thoracic aortic aneurysm and aortic dissection. Last evaluated: 2023-12-04. Review status: criteria provided, single submitter. Criteria: ACMG Guidelines, 2015. Collection method: clinical testing. Allele origin: germline.
Comment: Variant of Uncertain Significance due to insufficient evidence: This missense variant is located in the coiled coil myosin tail domain of the MYH11 protein. Computational prediction tools and conservation analyses are inconclusive regarding the impact of this variant on the protein function. Computational splicing tools suggest that this variant may not impact RNA splicing. To our knowledge, functional assays have not been performed for this variant nor has this variant been reported in individuals affected with cardiovascular disorders in the literature. This variant has been identified in 1/30936 chromosomes in the general population by the Genome Aggregation Database (gnomAD). Available evidence is insufficient to determine the role of this variant in disease conclusively.